The following is an entry in ClinVar:

NM_001136472.2(LITAF):c.149G>T (p.Gly50Val)

Gene: LITAF (lipopolysaccharide induced TNF factor; minus strand). Cytogenetic location: 16p13.13.
Variant type: single nucleotide variant.
Coding change: c.149G>T on transcript NM_001136472.2 (MANE Select); coding-DNA position 149, G replaced by T.
Protein change: p.Gly50Val; replaces glycine 50 with valine.
Molecular consequence: missense variant. On other transcripts: non-coding transcript variant (1).
Genome position (GRCh38, 1-based): chr16:11,556,582, C>A on the plus strand (G>T on the coding strand, the complement: LITAF is on the minus strand). VCF-style: chr16-11556582-C-A. GRCh37 (hg19) VCF-style: chr16-11650438-C-A.
Other names: c.149G>T, p.Gly50Val (NM_001136473.1, NM_004862.4); short protein forms G50V.
Identifiers: ClinVar variation 2120487 (VCV002120487.4), dbSNP rs2064273146, ClinGen allele CA394768108.

ClinVar aggregate classification (germline): Uncertain significance (1 of 4 stars; one submission).

Conditions:
Charcot-Marie-Tooth disease type 1C. Also called: CMT, SLOW NERVE CONDUCTION TYPE C; HMSN IC; Charcot-Marie-Tooth disease, type IC; CHARCOT-MARIE-TOOTH DISEASE, DEMYELINATING, TYPE 1C; CHARCOT-MARIE-TOOTH NEUROPATHY, TYPE 1C; NEUROPATHY, HEREDITARY MOTOR AND SENSORY, TYPE IC. Identifiers: Orphanet 101083, MedGen C0270913, MONDO:0010995, OMIM 601098.

Submission:

Labcorp Genetics (formerly Invitae), Labcorp
Classification: Uncertain significance for Charcot-Marie-Tooth disease type 1C. Last evaluated: 2022-05-30. Review status: criteria provided, single submitter. Criteria: Invitae Variant Classification Sherloc (09022015). Collection method: clinical testing. Allele origin: germline.
Comment: Algorithms developed to predict the effect of missense changes on protein structure and function are either unavailable or do not agree on the potential impact of this missense change (SIFT: "Tolerated"; PolyPhen-2: "Probably Damaging"; Align-GVGD: "Class C0"). In summary, the available evidence is currently insufficient to determine the role of this variant in disease. Therefore, it has been classified as a Variant of Uncertain Significance. This variant has not been reported in the literature in individuals affected with LITAF-related conditions. This variant is not present in population databases (gnomAD no frequency). This sequence change replaces glycine, which is neutral and non-polar, with valine, which is neutral and non-polar, at codon 50 of the LITAF protein (p.Gly50Val).